The following is an entry in ClinVar:

NM_001278064.2(GRM1):c.1715del (p.Asn572fs)

Gene: GRM1 (glutamate metabotropic receptor 1; plus strand). Cytogenetic location: 6q24.3.
Variant type: Deletion.
Coding change: c.1715del on transcript NM_001278064.2 (MANE Select); coding-DNA position 1715, one base deleted (A; older notation c.1715delA).
Protein change: p.Asn572fs; shifts the reading frame from asparagine 572.
Molecular consequence: frameshift variant.
Genome position (GRCh38, 1-based): chr6:146,387,002, A deleted; the last of 2 consecutive A bases (chr6:146,387,001-146,387,002); deleting either gives the same sequence. VCF-style (leftmost placement, unchanged base first): chr6-146387000-CA-C. GRCh37 (hg19) VCF-style: chr6-146708136-CA-C.
Other names: c.1715del, p.Asn572fs (NM_001278065.2, NM_001278066.1, NM_001278067.1); short protein forms N572fs.
Identifiers: ClinVar variation 2572460 (VCV002572460.1), dbSNP rs2483930312, ClinGen allele CA2580615790.

ClinVar aggregate classification (germline): Pathogenic (1 of 4 stars; one submission).

Conditions:
Autosomal recessive spinocerebellar ataxia 13. Identifiers: Orphanet 324262, MedGen C3553816, MONDO:0013905, OMIM 614831.

Submission:

3billion
Classification: Pathogenic for Autosomal recessive spinocerebellar ataxia 13. Review status: criteria provided, single submitter. Criteria: ACMG Guidelines, 2015. Collection method: clinical testing. Allele origin: unknown. Affected: yes. Observed: 1 homozygote.
Comment: The variant is not observed in the gnomAD v2.1.1 dataset. The variant is predicted to result in a loss or disruption of normal protein function through nonsense-mediated decay (NMD) or protein truncation. Multiple pathogenic variants are reported downstream of the variant. Therefore, this variant is classified as Pathogenic according to the recommendation of ACMG/AMP guideline.